The following is an entry in ClinVar:

ClinVar aggregate classification (germline): Uncertain significance. Review status: reviewed by expert panel (3 of 4 stars). 10 submissions from 10 submitters: Uncertain significance (1). 9 of the submissions do not count toward it. Last evaluated 2023-09-26.

Conditions:
Very long chain acyl-CoA dehydrogenase deficiency (ACADVLD). Also called: Very Long-Chain Acyl-Coenzyme A Dehydrogenase Deficiency; VLCAD Deficiency. Identifiers: Orphanet 26793, MedGen C3887523, MONDO:0008723, OMIM 201475.

Allele frequency attached by ClinVar (database versions not stated): ExAC 0.00027; 1000 Genomes Project 30x 0.00109; gnomAD 0.00115 and 0.00124; 1000 Genomes Project 0.00120; ESP Exome Variant Server 0.00131; TOPMed 0.00158.
gnomAD v4.1: 371 of 1,614,116 alleles (0.023%); highest among the groups gnomAD compares: African/African-American, 0.39%; 1 homozygote.

Submissions (10):

ClinGen ACADVL Variant Curation Expert Panel, ClinGen
Classification: Uncertain significance for Very long chain acyl-CoA dehydrogenase deficiency. Last evaluated: 2023-09-26. Review status: reviewed by expert panel. Criteria: clingen acadvl acmg specifications v1. Collection method: curation. Allele origin: germline. Inheritance: Autosomal recessive inheritance.
Comment: The NM_000018.4(ACADVL):c.818G>C (p.Gly273Ala) in ACADVL is a missense variant predicted to cause substitution of glycine by alanine at amino acid 273 (p. Gly273Ala). The highest population minor allele frequency in gnomAD v3.1.2 is 0.003621 in African/African American population, which is higher than the ClinGen ACADVL Variant Curation Expert Panel threshold (>=0.0035) for BS1, and therefore meets this criterion (BS1). At least one patient with this variant displayed an increased C14:1 level, which is highly specific for very long chain acyl-CoA dehydrogenase (VLCAD) deficiency (PP4_Supporting, PMID: 24503138), from whom a pathogenic variant was also identified with unknown phase (PM3 point 0.5, PM3_Supporting, PMID: 24503138). At least one individual with this variant was identified by newborn screen, but this information is insufficient for to use toward classification (PMID: 32778825). The computational predictor REVEL gives a score of 0.933, which is above the threshold of 0.75, evidence that correlates with impact to ACADVL function (PP3). Due to conflicting evidence, this variant is classified as a variant of uncertain significance for autosomal recessive very long chain acyl-CoA dehydrogenase (VLCAD) deficiency based on the ACMG/AMP criteria applied, as specified by the ClinGen ACADVL Variant Curation Expert Panel: BS1, PP4_Supporting, PM3_Supporting, PP3)

Labcorp Genetics (formerly Invitae), Labcorp
Classification: Likely benign for Very long chain acyl-CoA dehydrogenase deficiency. Last evaluated: 2026-02-02. Review status: criteria provided, single submitter. Criteria: Invitae Variant Classification Sherloc (09022015). Collection method: clinical testing. Allele origin: germline. Not counted in ClinVar's aggregate classification.

GeneDx
Classification: Uncertain significance. Last evaluated: 2025-09-09. Review status: criteria provided, single submitter. Criteria: GeneDx Variant Classification Process June 2021. Collection method: clinical testing. Allele origin: germline. Affected: yes. Not counted in ClinVar's aggregate classification.
Comment: In silico analysis supports that this missense variant has a deleterious effect on protein structure/function; This variant is associated with the following publications: (PMID: 32778825, 24503138)

Revvity Omics, Revvity
Classification: Uncertain significance for Very long chain acyl-CoA dehydrogenase deficiency. Last evaluated: 2025-07-29. Review status: criteria provided, single submitter. Criteria: ACMG Guidelines, 2015. Collection method: clinical testing. Allele origin: germline. Not counted in ClinVar's aggregate classification.

Mayo Clinic Laboratories, Mayo Clinic
Classification: Uncertain significance. Last evaluated: 2025-02-12. Review status: criteria provided, single submitter. Criteria: ACMG Guidelines, 2015. Collection method: clinical testing. Allele origin: germline. Observed: 2 variant alleles. Not counted in ClinVar's aggregate classification.
Comment: BS1, PP3, PP4, PM3_supporting

Blueprint Genetics
Classification: Uncertain significance. Last evaluated: 2024-08-28. Review status: criteria provided, single submitter. Criteria: ACMG Guidelines, 2015. Collection method: clinical testing. Allele origin: germline. Not counted in ClinVar's aggregate classification.

ARUP Laboratories, Molecular Genetics and Genomics, ARUP Laboratories
Classification: Uncertain significance for Very long chain acyl-CoA dehydrogenase deficiency. Last evaluated: 2023-10-16. Review status: criteria provided, single submitter. Criteria: ARUP Molecular Germline Variant Investigation Process 2024. Collection method: clinical testing. Allele origin: germline. Not counted in ClinVar's aggregate classification.
Comment: The ACADVL c.818G>C; p.Gly273Ala variant (rs150149784) is reported in the literature in an individual affected with very-long chain acyl-CoA dehydrogenase deficiency who carries two other ACADVL variants, one of which is known to be pathogenic (Merritt 2014). This variant is also reported in the heterozygous state in an individual in a large inborn errors of metabolism cohort (Adhikari 2020), and is reported in ClinVar (Variation ID: 203574). This variant is found in the African/African-American population with an allele frequency of 0.34% (86/24964 alleles) in the Genome Aggregation Database. Computational analyses predict that this variant is deleterious (REVEL: 0.933). Given the lack of clinical and functional data, the significance of this variant is uncertain at this time. References: Adhikari AN et al. The role of exome sequencing in newborn screening for inborn errors of metabolism. Nat Med. 2020 Sep;26(9):1392-1397. PMID: 32778825. Merritt JL 2nd et al. Infants suspected to have very-long chain acyl-CoA dehydrogenase deficiency from newborn screening. Mol Genet Metab. 2014 Apr;111(4):484-92. PMID: 24503138.

Women's Health and Genetics/Laboratory Corporation of America, LabCorp
Classification: Uncertain significance. Last evaluated: 2023-10-16. Review status: criteria provided, single submitter. Criteria: LabCorp Variant Classification Summary - May 2015. Collection method: clinical testing. Allele origin: germline. Not counted in ClinVar's aggregate classification.
Comment: Variant summary: ACADVL c.818G>C (p.Gly273Ala) results in a non-conservative amino acid change located in the Acyl-CoA oxidase/dehydrogenase, middle domain (IPR006091) of the encoded protein sequence. Five of five in-silico tools predict a damaging effect of the variant on protein function. The variant allele was found at a frequency of 0.00027 in 251436 control chromosomes, predominantly at a frequency of 0.0036 within the African or African-American subpopulation in the gnomAD database. The observed variant frequency within African or African-American control individuals in the gnomAD database is approximately equal to the estimated maximal expected allele frequency for a pathogenic variant in ACADVL causing Very Long Chain Acyl-CoA Dehydrogenase Deficiency (VLCADD) phenotype (0.0029), suggesting that the variant may be a benign polymorphism found primarily in populations of African or African-American origin. c.818G>C has been reported in the literature as a VUS in individuals identified as positive for VLCADD by newborn screening programs in the United States, where it has mostly been reported as an uninformative genotype (i.e. zygosity not specified) and in an individual who harbored two additional variants (one pathogenic) but where phase was unspecified/unknown (e.g. Merritt_2014, Miller_2015, Adhikari_2020). These reports do not provide unequivocal conclusions about association of the variant with Very Long Chain Acyl-CoA Dehydrogenase Deficiency. To our knowledge, no experimental evidence demonstrating an impact on protein function has been reported. The following publications have been ascertained in the context of this evaluation (PMID: 32778825, 24503138, 26385305). Six submitters have cited clinical-significance assessments for this variant to ClinVar after 2014. Five submitters classified the variant as uncertain significance and one classified it as likely benign. Based on the evidence outlined above, the variant was classified as VUS-possibly benign.

Wong Mito Lab, Molecular and Human Genetics, Baylor College of Medicine
Classification: Uncertain significance for Very long chain acyl-CoA dehydrogenase deficiency. Last evaluated: 2019-11-01. Review status: criteria provided, single submitter. Criteria: ACMG Guidelines, 2015. Collection method: clinical testing. Allele origin: germline. Not counted in ClinVar's aggregate classification.
Comment: The NM_000018.3:c.818G>C (NP_000009.1:p.Gly273Ala) [GRCH38: NC_000017.11:g.7222242G>C] variant in ACADVL gene is interpretated to be Uncertain Significance based on ACMG guidelines (PMID: 25741868). This variant has been reported. This variant meets the following evidence codes reported in the ACMG guidelines: PP3

Illumina Laboratory Services, Illumina
Classification: Uncertain significance for Very long chain acyl-CoA dehydrogenase deficiency. Last evaluated: 2018-01-12. Review status: criteria provided, single submitter. Criteria: ICSL Variant Classification Criteria 13 December 2019. Collection method: clinical testing. Allele origin: germline. Not counted in ClinVar's aggregate classification.

Literature cited by the submitters: PubMed 24503138 (cited by 3 submitters); PubMed 26385305 (cited by Mayo Clinic Laboratories, Mayo Clinic and Women's Health and Genetics/Laboratory Corporation of America, LabCorp); PubMed 32778825 (cited by Mayo Clinic Laboratories, Mayo Clinic and Women's Health and Genetics/Laboratory Corporation of America, LabCorp).

NM_000018.4(ACADVL):c.818G>C (p.Gly273Ala)

Gene: ACADVL (acyl-CoA dehydrogenase very long chain; plus strand). Cytogenetic location: 17p13.1.
Variant type: single nucleotide variant.
Coding change: c.818G>C on transcript NM_000018.4 (MANE Select); coding-DNA position 818, G replaced by C.
Protein change: p.Gly273Ala; replaces glycine 273 with alanine.
Molecular consequence: missense variant.
Genome position (GRCh38, 1-based): chr17:7,222,242, G>C. VCF-style: chr17-7222242-G-C. GRCh37 (hg19) VCF-style: chr17-7125561-G-C.
Other names: p.G273A:GGA>GCA; NM_000018.4(ACADVL):c.818G>C; p.Gly273Ala; c.752G>C, p.Gly251Ala (NM_001033859.3); c.887G>C, p.Gly296Ala (NM_001270447.2); c.590G>C, p.Gly197Ala (NM_001270448.2); short protein forms G273A, G251A, G197A, G296A.
Identifiers: ClinVar variation 203574 (VCV000203574.30), dbSNP rs150149784, ClinGen allele CA312255.